The following is an entry in ClinVar:

NM_001184.4(ATR):c.5021G>T (p.Gly1674Val)

Gene: ATR (ATR serine/threonine kinase; minus strand). Cytogenetic location: 3q23.
Variant type: single nucleotide variant.
Coding change: c.5021G>T on transcript NM_001184.4 (MANE Select); coding-DNA position 5021, G replaced by T.
Protein change: p.Gly1674Val; replaces glycine 1674 with valine.
Molecular consequence: missense variant.
Genome position (GRCh38, 1-based): chr3:142,507,941, C>A on the plus strand (G>T on the coding strand, the complement: ATR is on the minus strand). VCF-style: chr3-142507941-C-A. GRCh37 (hg19) VCF-style: chr3-142226783-C-A.
Other names: c.4829G>T, p.Gly1610Val (NM_001354579.2); short protein forms G1610V, G1674V.
Identifiers: ClinVar variation 3332165 (VCV003332165.1).

ClinVar aggregate classification (germline): Uncertain significance (1 of 4 stars; one submission).

Conditions:
Inborn genetic diseases. Identifiers: MedGen C0950123, MeSH D030342.

Submission:

Ambry Genetics
Classification: Uncertain significance for Inborn genetic diseases. Last evaluated: 2024-06-11. Review status: criteria provided, single submitter. Criteria: Ambry Variant Classification Scheme 2023. Collection method: clinical testing. Allele origin: germline.
Comment: The p.G1674V variant (also known as c.5021G>T), located in coding exon 28 of the ATR gene, results from a G to T substitution at nucleotide position 5021. The glycine at codon 1674 is replaced by valine, an amino acid with dissimilar properties. This amino acid position is conserved. In addition, this alteration is predicted to be tolerated by in silico analysis. Based on the available evidence, the clinical significance of this variant remains unclear.